The following is an entry in ClinVar:

NC_000005.10:g.112850623A>G

Variant type: single nucleotide variant.
Genome position: GRCh38 VCF-style: chr5-112850623-A-G. GRCh37 (hg19) VCF-style: chr5-112186320-A-G.
Identifiers: ClinVar variation 82652 (VCV000082652.3), dbSNP rs76962693, ClinGen allele CA250792.
Genomic context (GRCh38, chr5:112,850,623, plus strand): 5'-AATAAATGTATTAAACACATAAAATAGCCACTATCAGATTGGATAAAATGAAATCTCCCA[A>G]CTATATCCCACTAACAAAACAGTCTAAATGATTCAGAATGGATACAATAAAAAGTACAAC-3'

ClinVar aggregate classification (germline): other (0 of 4 stars; one submission).

Conditions:
Familial colorectal cancer. Identifiers: MedGen CN280943, MONDO:0023113. Disease mechanism: loss of function.

Submission:

Systems Biology Platform Zhejiang California International NanoSystems Institute
Classification: other for Familial colorectal cancer. Review status: no assertion criteria provided. Collection method: not provided. Allele origin: unknown.
ClinVar note: Converted during submission from cancer to other.